The following is an entry in ClinVar:

NM_001184.4(ATR):c.2758G>A (p.Val920Ile)

Gene: ATR (ATR checkpoint kinase; minus strand). Cytogenetic location: 3q23.
Variant type: single nucleotide variant.
Coding change: c.2758G>A on transcript NM_001184.4 (MANE Select); coding-DNA position 2758, G replaced by A.
Protein change: p.Val920Ile; replaces valine 920 with isoleucine.
Molecular consequence: missense variant.
Genome position (GRCh38, 1-based): chr3:142,553,274, C>T on the plus strand (G>A on the coding strand, the complement: ATR is on the minus strand). VCF-style: chr3-142553274-C-T. GRCh37 (hg19) VCF-style: chr3-142272116-C-T.
Other names: c.2566G>A, p.Val856Ile (NM_001354579.2); short protein forms V856I, V920I.
Identifiers: ClinVar variation 3221099 (VCV003221099.2), dbSNP rs1295857035, ClinGen allele CA354814427.
Genomic context (GRCh38, chr3:142,553,274, plus strand): 5'-CGCTGACTCTTACCTGACAGATGGGTTTCTTATACTGGCTGAAAAAACTTTGCAGTTTAA[C>T]ACTTTTAGCTGCAACCAGAGCTCTAATTTCTGTGTATGCTGCTCCAGAGACAGATGCTGA-3'
Protein context (NP_001175.2, residues 910-930): EIRALVAAKS[Val920Ile]KLQSFFSQYK

ClinVar aggregate classification (germline): Uncertain significance (1 of 4 stars; one submission).

Conditions:
Inborn genetic diseases. Identifiers: MedGen C0950123, MeSH D030342.

Allele frequency attached by ClinVar (database versions not stated): gnomAD exomes below 0.00001.
gnomAD v4.1: 1 of 1,614,094 alleles (0.000062%); highest among the groups gnomAD compares: Non-Finnish European, 0.000085%; no homozygotes.

Submission:

Ambry Genetics
Classification: Uncertain significance for Inborn genetic diseases. Last evaluated: 2024-10-25. Review status: criteria provided, single submitter. Criteria: Ambry Variant Classification Scheme 2023. Collection method: clinical testing. Allele origin: germline.
Comment: The p.V920I variant (also known as c.2758G>A), located in coding exon 13 of the ATR gene, results from a G to A substitution at nucleotide position 2758. The valine at codon 920 is replaced by isoleucine, an amino acid with highly similar properties. This amino acid position is conserved. In addition, this alteration is predicted to be tolerated by in silico analysis. Since supporting evidence is limited at this time, the clinical significance of this alteration remains unclear.